The following is an entry in ClinVar:

NM_001277115.2(DNAH11):c.13303+1G>T

Gene: DNAH11 (dynein axonemal heavy chain 11; plus strand). Cytogenetic location: 7p15.3.
Variant type: single nucleotide variant.
Coding change: c.13303+1G>T on transcript NM_001277115.2 (MANE Select); the canonical splice donor site of the intron after coding-DNA position 13303, G replaced by T.
Molecular consequence: splice donor variant.
Genome position (GRCh38, 1-based): chr7:21,900,121, G>T. VCF-style: chr7-21900121-G-T. GRCh37 (hg19) VCF-style: chr7-21939739-G-T.
Identifiers: ClinVar variation 2821506 (VCV002821506.2), dbSNP rs2534155120, ClinGen allele CA366956371.

ClinVar aggregate classification (germline): Pathogenic (1 of 4 stars; one submission).

Conditions:
Primary ciliary dyskinesia. Also called: Ciliary dyskinesia. Identifiers: Orphanet 244, MedGen C0008780, MONDO:0016575, HP:0012265.

Submission:

Labcorp Genetics (formerly Invitae), Labcorp
Classification: Pathogenic for Primary ciliary dyskinesia. Last evaluated: 2022-12-16. Review status: criteria provided, single submitter. Criteria: Invitae Variant Classification Sherloc (09022015). Collection method: clinical testing. Allele origin: germline.
Comment: This variant disrupts a region of the DNAH11 protein in which other variant(s) (p.Pro4458Leu) have been determined to be pathogenic (PMID: 22184204, 29997923, 32622824; Invitae). This suggests that this is a clinically significant region of the protein, and that variants that disrupt it are likely to be disease-causing. For these reasons, this variant has been classified as Pathogenic. Variants that disrupt the consensus splice site are a relatively common cause of aberrant splicing (PMID: 17576681, 9536098). Algorithms developed to predict the effect of sequence changes on RNA splicing suggest that this variant may disrupt the consensus splice site. This sequence change affects a donor splice site in intron 81 of the DNAH11 gene. While this variant is not anticipated to result in nonsense mediated decay, it likely alters RNA splicing and results in a disrupted protein product. This variant is not present in population databases (gnomAD no frequency). This variant has not been reported in the literature in individuals affected with DNAH11-related conditions.

Literature cited by the submitters: PubMed 22184204; PubMed 29997923; PubMed 32622824; PubMed 17576681; PubMed 9536098.